The following is an entry in ClinVar:

ClinVar aggregate classification (germline): Uncertain significance. Review status: criteria provided, multiple submitters, no conflicts (2 of 4 stars). 2 submissions from 2 submitters: Uncertain significance (2). Last evaluated 2023-07-28.

Allele frequency attached by ClinVar (database versions not stated): gnomAD 0.00006; TOPMed 0.00008; 1000 Genomes Project 30x 0.00016; 1000 Genomes Project 0.00020; ESP Exome Variant Server 0.00031.
gnomAD v4.1: 384 of 1,613,920 alleles (0.024%); highest among the groups gnomAD compares: Non-Finnish European, 0.029%; no homozygotes.

Submissions (2):

Labcorp Genetics (formerly Invitae), Labcorp
Classification: Uncertain significance. Last evaluated: 2023-07-28. Review status: criteria provided, single submitter. Criteria: Invitae Variant Classification Sherloc (09022015). Collection method: clinical testing. Allele origin: germline.
Comment: This sequence change replaces threonine, which is neutral and polar, with methionine, which is neutral and non-polar, at codon 81 of the AK7 protein (p.Thr81Met). This variant is present in population databases (rs140870082, gnomAD 0.01%). This variant has not been reported in the literature in individuals affected with AK7-related conditions. ClinVar contains an entry for this variant (Variation ID: 2174639). Advanced modeling of protein sequence and biophysical properties (such as structural, functional, and spatial information, amino acid conservation, physicochemical variation, residue mobility, and thermodynamic stability) performed at Invitae indicates that this missense variant is expected to disrupt AK7 protein function. In summary, the available evidence is currently insufficient to determine the role of this variant in disease. Therefore, it has been classified as a Variant of Uncertain Significance.

Ambry Genetics
Classification: Uncertain significance. Last evaluated: 2021-07-09. Review status: criteria provided, single submitter. Criteria: Ambry Variant Classification Scheme 2023. Collection method: clinical testing. Allele origin: germline.

NM_152327.5(AK7):c.242C>T (p.Thr81Met)

Gene: AK7 (adenylate kinase 7; plus strand). Cytogenetic location: 14q32.2.
Variant type: single nucleotide variant.
Coding change: c.242C>T on transcript NM_152327.5 (MANE Select); coding-DNA position 242, C replaced by T.
Protein change: p.Thr81Met; replaces threonine 81 with methionine.
Molecular consequence: missense variant.
Genome position (GRCh38, 1-based): chr14:96,398,211, C>T. VCF-style: chr14-96398211-C-T. GRCh37 (hg19) VCF-style: chr14-96864548-C-T.
Other names: c.242C>T, p.Thr81Met (NM_001350892.2, NM_001350888.2, NM_001350890.2 and 1 more transcripts); c.242C>T (NM_152327.2); short protein forms T81M.
Identifiers: ClinVar variation 2174639 (VCV002174639.3), dbSNP rs140870082, ClinGen allele CA7337381.